The following is an entry in ClinVar:

NM_004360.5(CDH1):c.2076_2079delinsCGGT (p.Ala692_Gly693=)

Gene: CDH1 (cadherin 1; plus strand). Cytogenetic location: 16q22.1.
Variant type: Indel.
Coding change: c.2076_2079delinsCGGT on transcript NM_004360.5 (MANE Select); coding-DNA positions 2076 to 2079, TGGC replaced by CGGT.
Protein change: p.Ala692_Gly693=.
Molecular consequence: synonymous variant.
Genome position (GRCh38, 1-based): chr16:68,823,538-68,823,541, TGGC replaced by CGGT. VCF-style: chr16-68823538-TGGC-CGGT. GRCh37 (hg19) VCF-style: chr16-68857441-TGGC-CGGT.
Other names: c.1893_1896delinsCGGT, p.Ala631_Gly632= (NM_001317184.2); c.528_531delinsCGGT, p.Ala176_Gly177= (NM_001317185.2); c.111_114delinsCGGT, p.Ala37_Gly38= (NM_001317186.2).
Identifiers: ClinVar variation 3378472 (VCV003378472.1).
Genomic context (GRCh38, chr16:68,823,538, plus strand): 5'-CCAGAATAAAGACCAAGTGACCACCTTAGAGGTCAGCGTGTGTGACTGTGAAGGGGCCGC[TGGC>CGGT]GTCTGTAGGAAGGCACAGCCTGTCGAAGCAGGATTGCAAATTCCTGCCATTCTGGGGATT-3'

ClinVar aggregate classification (germline): Benign (1 of 4 stars; one submission).

Conditions:
Hereditary diffuse gastric adenocarcinoma (HDGC). Also called: DIFFUSE GASTRIC AND LOBULAR BREAST CANCER SYNDROME. Identifiers: Orphanet 26106, MedGen C1708349, MONDO:0007648, OMIM 137215.

Submission:

Myriad Genetics, Inc.
Classification: Benign for Hereditary diffuse gastric adenocarcinoma. Last evaluated: 2024-09-20. Review status: criteria provided, single submitter. Criteria: Myriad Autosomal Dominant, Autosomal Recessive and X-Linked Classification Criteria (2023). Collection method: clinical testing. Allele origin: unknown.
Comment: This variant is considered benign. This variant is a silent/synonymous amino acid change and it is not expected to impact splicing.